The following is an entry in ClinVar:

ClinVar aggregate classification (germline): Uncertain significance (1 of 4 stars; one submission).

Submission:

Labcorp Genetics (formerly Invitae), Labcorp
Classification: Uncertain significance. Last evaluated: 2024-09-16. Review status: criteria provided, single submitter. Criteria: Invitae Variant Classification Sherloc (09022015). Collection method: clinical testing. Allele origin: germline.
Comment: This sequence change replaces serine, which is neutral and polar, with alanine, which is neutral and non-polar, at codon 2955 of the SRCAP protein (p.Ser2955Ala). This variant is not present in population databases (gnomAD no frequency). This variant has not been reported in the literature in individuals affected with SRCAP-related conditions. Invitae Evidence Modeling of protein sequence and biophysical properties (such as structural, functional, and spatial information, amino acid conservation, physicochemical variation, residue mobility, and thermodynamic stability) indicates that this missense variant is not expected to disrupt SRCAP protein function with a negative predictive value of 80%. In summary, the available evidence is currently insufficient to determine the role of this variant in disease. Therefore, it has been classified as a Variant of Uncertain Significance.

NM_006662.3(SRCAP):c.8863T>G (p.Ser2955Ala)

Gene: SRCAP (Snf2 related CREBBP activator protein; plus strand). Cytogenetic location: 16p11.2.
Variant type: single nucleotide variant.
Coding change: c.8863T>G on transcript NM_006662.3 (MANE Select); coding-DNA position 8863, T replaced by G.
Protein change: p.Ser2955Ala; replaces serine 2955 with alanine.
Molecular consequence: missense variant.
Genome position (GRCh38, 1-based): chr16:30,738,903, T>G. VCF-style: chr16-30738903-T-G. GRCh37 (hg19) VCF-style: chr16-30750224-T-G.
Other names: short protein forms S2955A.
Identifiers: ClinVar variation 3661825 (VCV003661825.2).
Genomic context (GRCh38, chr16:30,738,903, plus strand): 5'-GAGAAAAGAAGGCGAGGACGACCCCCTAAAGCACGAGATTTGCCCATCCCTGGGACCATT[T>G]CCTCTGCAGGGGATGGCAACTCCGAAAGTCGGACACAGCCACCCCCACACCCATCACCCC-3'
Protein context (NP_006653.2, residues 2945-2965): ARDLPIPGTI[Ser2955Ala]SAGDGNSESR